The following is an entry in ClinVar:

ClinVar aggregate classification (germline): Uncertain significance (1 of 4 stars; one submission).

gnomAD v4.1: 5 of 1,614,222 alleles (0.00031%); highest among the groups gnomAD compares: Non-Finnish European, 0.00034%; no homozygotes.

Submission:

Labcorp Genetics (formerly Invitae), Labcorp
Classification: Uncertain significance. Last evaluated: 2024-03-02. Review status: criteria provided, single submitter. Criteria: Invitae Variant Classification Sherloc (09022015). Collection method: clinical testing. Allele origin: germline.
Comment: This sequence change replaces valine, which is neutral and non-polar, with methionine, which is neutral and non-polar, at codon 910 of the SZT2 protein (p.Val910Met). This variant is present in population databases (rs772851543, gnomAD 0.0009%). This variant has not been reported in the literature in individuals affected with SZT2-related conditions. Advanced modeling of protein sequence and biophysical properties (such as structural, functional, and spatial information, amino acid conservation, physicochemical variation, residue mobility, and thermodynamic stability) performed at Invitae indicates that this missense variant is expected to disrupt SZT2 protein function with a positive predictive value of 80%. In summary, the available evidence is currently insufficient to determine the role of this variant in disease. Therefore, it has been classified as a Variant of Uncertain Significance.

NM_001365999.1(SZT2):c.2728G>A (p.Val910Met)

Gene: SZT2 (SZT2 subunit of KICSTOR complex; plus strand). Cytogenetic location: 1p34.2.
Variant type: single nucleotide variant.
Coding change: c.2728G>A on transcript NM_001365999.1 (MANE Select); coding-DNA position 2728, G replaced by A.
Protein change: p.Val910Met; replaces valine 910 with methionine.
Molecular consequence: missense variant.
Genome position (GRCh38, 1-based): chr1:43,425,556, G>A. VCF-style: chr1-43425556-G-A. GRCh37 (hg19) VCF-style: chr1-43891227-G-A.
Other names: c.2728G>A, p.Val910Met (NM_015284.4); short protein forms V910M.
Identifiers: ClinVar variation 3679578 (VCV003679578.2).